The following is an entry in ClinVar:

ClinVar aggregate classification (germline): Uncertain significance (1 of 4 stars; one submission).

gnomAD v4.1: 1 of 1,610,428 alleles (0.000062%); highest among the groups gnomAD compares: African/African-American, 0.0013%; no homozygotes.

Submission:

Ambry Genetics
Classification: Uncertain significance. Last evaluated: 2025-07-20. Review status: criteria provided, single submitter. Criteria: Ambry Variant Classification Scheme 2023. Collection method: clinical testing. Allele origin: germline.
Comment: The p.R107S variant (also known as c.321A>C), located in coding exon 2 of the GEN1 gene, results from an A to C substitution at nucleotide position 321. The arginine at codon 107 is replaced by serine, an amino acid with dissimilar properties. This amino acid position is conserved. In addition, the in silico prediction for this alteration is inconclusive. Based on the available evidence, the clinical significance of this variant remains unclear.

NM_001130009.3(GEN1):c.321A>C (p.Arg107Ser)

Gene: GEN1 (GEN1 Holliday junction 5' flap endonuclease; plus strand). Cytogenetic location: 2p24.2.
Variant type: single nucleotide variant.
Coding change: c.321A>C on transcript NM_001130009.3 (MANE Select); coding-DNA position 321, A replaced by C.
Protein change: p.Arg107Ser; replaces arginine 107 with serine.
Molecular consequence: missense variant.
Genome position (GRCh38, 1-based): chr2:17,761,555, A>C. VCF-style: chr2-17761555-A-C. GRCh37 (hg19) VCF-style: chr2-17942822-A-C.
Other names: c.321A>C, p.Arg107Ser (NM_182625.5); short protein forms R107S.
Identifiers: ClinVar variation 4263040 (VCV004263040.1).